The following is an entry in ClinVar:

ClinVar aggregate classification (germline): Pathogenic (1 of 4 stars; one submission).

Conditions:
Hypokalemic periodic paralysis, type 1. Also called: Hypokalemic Periodic Paralysis Type 1 (AD); HypoPP. Identifiers: Orphanet 681, MedGen C3714580, MONDO:0042979, OMIM 170400.
Malignant hyperthermia, susceptibility to, 5 (MHS5). Also called: CACNA1S-Related Malignant Hyperthermia Susceptibility. Identifiers: Orphanet 423, MedGen C1866077, MONDO:0011163, OMIM 601887.

Submission:

Labcorp Genetics (formerly Invitae), Labcorp
Classification: Pathogenic for Hypokalemic periodic paralysis, type 1; Malignant hyperthermia, susceptibility to, 5. Last evaluated: 2021-10-21. Review status: criteria provided, single submitter. Criteria: Invitae Variant Classification Sherloc (09022015). Collection method: clinical testing. Allele origin: germline.
Comment: For these reasons, this variant has been classified as Pathogenic. This variant has not been reported in the literature in individuals affected with CACNA1S-related conditions. This variant is not present in population databases (ExAC no frequency). This sequence change creates a premature translational stop signal (p.Cys1743*) in the CACNA1S gene. It is expected to result in an absent or disrupted protein product. Loss-of-function variants in CACNA1S are known to be pathogenic (PMID: 26247046, 28012042).

Literature cited by the submitters: PubMed 26247046; PubMed 28012042.

NM_000069.3(CACNA1S):c.5229C>A (p.Cys1743Ter)

Gene: CACNA1S (calcium voltage-gated channel subunit alpha1 S; minus strand). Cytogenetic location: 1q32.1.
Variant type: single nucleotide variant.
Coding change: c.5229C>A on transcript NM_000069.3 (MANE Select); coding-DNA position 5229, C replaced by A.
Protein change: p.Cys1743Ter; replaces cysteine 1743 with a stop codon.
Molecular consequence: nonsense.
Genome position (GRCh38, 1-based): chr1:201,040,372, G>T on the plus strand (C>A on the coding strand, the complement: CACNA1S is on the minus strand). VCF-style: chr1-201040372-G-T. GRCh37 (hg19) VCF-style: chr1-201009500-G-T.
Other names: short protein forms C1743*.
Identifiers: ClinVar variation 1451963 (VCV001451963.6), dbSNP rs1434902604, ClinGen allele CA344131516.